The following is an entry in ClinVar:

NM_014141.6(CNTNAP2):c.1622C>T (p.Pro541Leu)

Gene: CNTNAP2 (contactin associated protein 2; plus strand). Cytogenetic location: 7q35.
Variant type: single nucleotide variant.
Coding change: c.1622C>T on transcript NM_014141.6 (MANE Select); coding-DNA position 1622, C replaced by T.
Protein change: p.Pro541Leu; replaces proline 541 with leucine.
Molecular consequence: missense variant.
Genome position (GRCh38, 1-based): chr7:147,395,732, C>T. VCF-style: chr7-147395732-C-T. GRCh37 (hg19) VCF-style: chr7-147092824-C-T.
Other names: short protein forms P541L.
Identifiers: ClinVar variation 536324 (VCV000536324.7), dbSNP rs779761487, ClinGen allele CA4546124.

ClinVar aggregate classification (germline): Uncertain significance. Review status: criteria provided, multiple submitters, no conflicts (2 of 4 stars). 2 submissions from 2 submitters: Uncertain significance (2). Last evaluated 2022-11-29.

Conditions:
Cortical dysplasia-focal epilepsy syndrome (PTHSL1). Also called: Pitt-Hopkins-like syndrome 1. Identifiers: Orphanet 163681, Orphanet 221150, MedGen C2750246, MONDO:0012400, OMIM 610042.

Allele frequency attached by ClinVar (database versions not stated): gnomAD exomes 0.00002; ExAC 0.00003; TOPMed 0.00004.
gnomAD v4.1: 16 of 1,612,244 alleles (0.00099%); highest among the groups gnomAD compares: Admixed American, 0.005%; no homozygotes.

Submissions (2):

GeneDx
Classification: Uncertain significance. Last evaluated: 2022-11-29. Review status: criteria provided, single submitter. Criteria: GeneDx Variant Classification Process June 2021. Collection method: clinical testing. Allele origin: germline. Affected: yes.
Comment: Not observed at significant frequency in large population cohorts (gnomAD); In silico analysis supports that this missense variant does not alter protein structure/function; Has not been previously published as pathogenic or benign to our knowledge

Labcorp Genetics (formerly Invitae), Labcorp
Classification: Uncertain significance for Cortical dysplasia-focal epilepsy syndrome. Last evaluated: 2022-08-09. Review status: criteria provided, single submitter. Criteria: Invitae Variant Classification Sherloc (09022015). Collection method: clinical testing. Allele origin: germline.
Comment: In summary, the available evidence is currently insufficient to determine the role of this variant in disease. Therefore, it has been classified as a Variant of Uncertain Significance. Algorithms developed to predict the effect of missense changes on protein structure and function (SIFT, PolyPhen-2, Align-GVGD) all suggest that this variant is likely to be tolerated. ClinVar contains an entry for this variant (Variation ID: 536324). This variant has not been reported in the literature in individuals affected with CNTNAP2-related conditions. This variant is present in population databases (rs779761487, gnomAD 0.006%). This sequence change replaces proline, which is neutral and non-polar, with leucine, which is neutral and non-polar, at codon 541 of the CNTNAP2 protein (p.Pro541Leu).